The following is an entry in ClinVar:

ClinVar aggregate classification (germline): Uncertain significance (1 of 4 stars; one submission).

Conditions:
46,XY sex reversal 3. Also called: NR5A1-related 46,XY complete gonadal dysgenesis; 46,XY GONADAL DYSGENESIS, PARTIAL OR COMPLETE, WITH OR WITHOUT ADRENAL FAILURE; DISORDER OF SEX DEVELOPMENT, 46,XY, NR5A1-RELATED; SEX REVERSAL, XY, WITH OR WITHOUT ADRENAL FAILURE; 46,XY SEX REVERSAL, PARTIAL OR COMPLETE, NR5A1-RELATED. Identifiers: MedGen C3489793, MONDO:0013066, OMIM 612965.

Submission:

3billion
Classification: Uncertain significance for 46,XY sex reversal 3. Last evaluated: 2024-11-09. Review status: criteria provided, single submitter. Criteria: ACMG Guidelines, 2015. Collection method: clinical testing. Allele origin: germline. Affected: yes.
Comment: The variant is not observed in the gnomAD v4.1.0 dataset. Predicted Consequence/Location: Missense variant In silico tool predictions suggest damaging effect of the variant on gene or gene product [REVEL: 0.97 (>=0.6, sensitivity 0.68 and specificity 0.92)]. A different missense change at the same codon (p.Arg427Trp) has been reported to be associated with NR5A1 related disorder (PMID: 29935645). However the evidence of pathogenicity is insufficient at this time. Therefore, this variant is classified as VUS according to the recommendation of ACMG/AMP guideline.

Literature cited by the submitters: PubMed 29935645.

NM_004959.5(NR5A1):c.1280G>T (p.Arg427Leu)

Gene: NR5A1 (nuclear receptor subfamily 5 group A member 1; minus strand). Cytogenetic location: 9q33.3.
Variant type: single nucleotide variant.
Coding change: c.1280G>T on transcript NM_004959.5 (MANE Select); coding-DNA position 1280, G replaced by T.
Protein change: p.Arg427Leu; replaces arginine 427 with leucine.
Molecular consequence: missense variant.
Genome position (GRCh38, 1-based): chr9:124,482,864, C>A on the plus strand (G>T on the coding strand, the complement: NR5A1 is on the minus strand). VCF-style: chr9-124482864-C-A. GRCh37 (hg19) VCF-style: chr9-127245143-C-A.
Other names: short protein forms R427L.
Identifiers: ClinVar variation 4292239 (VCV004292239.1).
Genomic context (GRCh38, chr9:124,482,864, plus strand): 5'-GGCATCTCGTTGCCCAGGTGCTTGTGGTACAGGTACTCCTTGGCCTGCATGCTCAGGGCC[C>A]GCACCTCCACCAGGCACAGCAGCAGCTGCTGGAATTTGTCCCCGCAGTGCGGGTAGTGGC-3'
Protein context (NP_004950.2, residues 417-437): QQLLLCLVEV[Arg427Leu]ALSMQAKEYL